The following is an entry in ClinVar:

NM_000551.4(VHL):c.246dup (p.Val83fs)

Gene: VHL (von Hippel-Lindau tumor suppressor; plus strand). Cytogenetic location: 3p25.3.
Variant type: Duplication.
Coding change: c.246dup on transcript NM_000551.4 (MANE Select); coding-DNA position 246, one base duplicated (C; older notation c.246dupC).
Protein change: p.Val83fs; shifts the reading frame from valine 83.
Molecular consequence: frameshift variant. On other transcripts: non-coding transcript variant (1).
Genome position (GRCh38, 1-based): chr3:10,142,093, C duplicated. VCF-style (leftmost placement, unchanged base first): chr3-10142092-G-GC. GRCh37 (hg19) VCF-style: chr3-10183776-G-GC.
Other names: c.246dup, p.Val83fs (NM_001354723.2, NM_198156.3); c.246dupC (NM_000551.3); short protein forms V83fs.
Identifiers: ClinVar variation 3232217 (VCV003232217.1), dbSNP rs2470158247, ClinGen allele CA2825001165.

ClinVar aggregate classification (germline): Pathogenic (1 of 4 stars; one submission).

Conditions:
Hereditary cancer-predisposing syndrome. Also called: Neoplastic Syndromes, Hereditary; Tumor predisposition; Hereditary neoplastic syndrome; Hereditary Cancer Syndrome. Identifiers: Orphanet 140162, MedGen C0027672, MeSH D009386, MONDO:0015356.

Submission:

Ambry Genetics
Classification: Pathogenic for Hereditary cancer-predisposing syndrome. Last evaluated: 2024-02-07. Review status: criteria provided, single submitter. Criteria: Ambry Variant Classification Scheme 2023. Collection method: clinical testing. Allele origin: germline.
Comment: The c.246dupC pathogenic mutation, located in coding exon 1 of the VHL gene, results from a duplication of C at nucleotide position 246, causing a translational frameshift with a predicted alternate stop codon (p.V83Rfs*49). This variant is considered to be rare based on population cohorts in the Genome Aggregation Database (gnomAD). This alteration is expected to result in loss of function by premature protein truncation or nonsense-mediated mRNA decay. As such, this alteration is interpreted as a disease-causing mutation.